The following is an entry in ClinVar:

NM_001166114.2(PNPLA6):c.4060C>T (p.Leu1354=)

Gene: PNPLA6 (patatin like domain 6, lysophospholipase; plus strand). Cytogenetic location: 19p13.2.
Variant type: single nucleotide variant.
Coding change: c.4060C>T on transcript NM_001166114.2 (MANE Select); coding-DNA position 4060, C replaced by T.
Protein change: p.Leu1354=; no amino-acid change (leucine 1354 retained).
Molecular consequence: synonymous variant.
Genome position (GRCh38, 1-based): chr19:7,561,524, C>T. VCF-style: chr19-7561524-C-T. GRCh37 (hg19) VCF-style: chr19-7626410-C-T.
Other names: c.4090C>T, p.Leu1364= (NM_001166111.2); c.3865C>T, p.Leu1289= (NM_001166112.2); c.3946C>T, p.Leu1316= (NM_001166113.1, NM_006702.5).
Identifiers: ClinVar variation 513833 (VCV000513833.20), dbSNP rs150392453, ClinGen allele CA9140699.

ClinVar aggregate classification (germline): Benign/Likely benign. Review status: criteria provided, multiple submitters, no conflicts (2 of 4 stars). 6 submissions from 6 submitters: Benign (2); Likely benign (3). 1 of the submissions does not count toward it. Last evaluated 2026-02-01.

Conditions:
Hereditary spastic paraplegia 39 (SPG39). Also called: SPASTIC PARAPLEGIA 39, AUTOSOMAL RECESSIVE; Spastic Paraplegia Type 39 (SPG39). Identifiers: Orphanet 139480, MedGen C2677586, MONDO:0012787, OMIM 612020.
PNPLA6-related disorder. Also called: PNPLA6-related disorders; PNPLA6-related condition.

Allele frequency attached by ClinVar (database versions not stated): 1000 Genomes Project 30x 0.00094; 1000 Genomes Project 0.00100; ESP Exome Variant Server 0.00138; gnomAD 0.00181 and 0.00202; TOPMed 0.00223.
gnomAD v4.1: 528 of 1,608,852 alleles (0.033%); highest among the groups gnomAD compares: African/African-American, 0.63%; 1 homozygote.

Submissions (6):

Labcorp Genetics (formerly Invitae), Labcorp
Classification: Benign for Hereditary spastic paraplegia 39. Last evaluated: 2026-02-01. Review status: criteria provided, single submitter. Criteria: Invitae Variant Classification Sherloc (09022015). Collection method: clinical testing. Allele origin: germline.

Blueprint Genetics
Classification: Likely benign. Last evaluated: 2024-10-08. Review status: criteria provided, single submitter. Criteria: ACMG Guidelines, 2015. Collection method: clinical testing. Allele origin: germline.

GeneDx
Classification: Likely benign. Last evaluated: 2020-12-15. Review status: criteria provided, single submitter. Criteria: GeneDx Variant Classification Process June 2021. Collection method: clinical testing. Allele origin: germline. Affected: yes.

Athena Diagnostics
Classification: Benign. Last evaluated: 2017-09-30. Review status: criteria provided, single submitter. Criteria: Athena Diagnostics Criteria. Collection method: clinical testing. Allele origin: germline.

Breakthrough Genomics
Classification: Likely benign. Review status: criteria provided, single submitter. Criteria: ACMG Guidelines, 2015. Collection method: not provided. Allele origin: germline. Inheritance: Autosomal recessive inheritance. Affected: yes.

PreventionGenetics, part of Exact Sciences
Classification: Likely benign for PNPLA6-related condition. Last evaluated: 2019-08-28. Review status: no assertion criteria provided. Collection method: clinical testing. Allele origin: germline. Not counted in ClinVar's aggregate classification.
Comment: This variant is classified as likely benign based on ACMG/AMP sequence variant interpretation guidelines (Richards et al. 2015 PMID: 25741868, with internal and published modifications).